The following is an entry in ClinVar:

ClinVar aggregate classification (germline): Uncertain significance. Review status: criteria provided, multiple submitters, no conflicts (2 of 4 stars). 2 submissions from 2 submitters: Uncertain significance (2). Last evaluated 2026-04-01.

Conditions:
Primary ciliary dyskinesia. Also called: Ciliary dyskinesia. Identifiers: Orphanet 244, MedGen C0008780, MONDO:0016575, HP:0012265.

Submissions (2):

Department of Human Genetics, Hannover Medical School
Classification: Uncertain significance for Primary Ciliary Dyskinesia. Last evaluated: 2026-04-01. Review status: criteria provided, single submitter. Criteria: ACMG Guidelines, 2015. Collection method: research. Allele origin: germline. Affected: no.
Comment: Classification performed by HerediClassify using the following criteria:['PM2_supporting: Variant occures does not occur as homozygous in gnomAD.', 'PP3_protein_moderate: Variant is predicted to be pathogenic by REVEL with evidence strength moderate meeting a threshold of 0.773 (value: 0.78).', "PP4_moderate: The PICADAR socre of 6.0 exceeds threshold of 6 achieving 'moderate' evidence strength."]

Blueprint Genetics
Classification: Uncertain significance. Last evaluated: 2019-08-02. Review status: criteria provided, single submitter. Criteria: ACMG Guidelines, 2015. Collection method: clinical testing. Allele origin: germline.

NM_015102.5(NPHP4):c.488T>C (p.Leu163Pro)

Gene: NPHP4 (nephrocystin 4; minus strand). Cytogenetic location: 1p36.31.
Variant type: single nucleotide variant.
Coding change: c.488T>C on transcript NM_015102.5 (MANE Select); coding-DNA position 488, T replaced by C.
Protein change: p.Leu163Pro; replaces leucine 163 with proline.
Molecular consequence: missense variant. On other transcripts: 5 prime UTR variant (2), non-coding transcript variant (1).
Genome position (GRCh38, 1-based): chr1:5,967,328, A>G on the plus strand (T>C on the coding strand, the complement: NPHP4 is on the minus strand). VCF-style: chr1-5967328-A-G. GRCh37 (hg19) VCF-style: chr1-6027388-A-G.
Other names: c.-742T>C (NM_001291593.2); c.-879T>C (NM_001291594.2); short protein forms L163P.
Identifiers: ClinVar variation 4880137 (VCV004880137.2).